The following is an entry in ClinVar:

ClinVar aggregate classification (germline): Likely pathogenic. Review status: criteria provided, multiple submitters, no conflicts (2 of 4 stars). 2 submissions from 2 submitters: Likely pathogenic (2). Last evaluated 2025-09-10.

Conditions:
Charcot-Marie-Tooth disease axonal type 2S. Also called: CHARCOT-MARIE-TOOTH NEUROPATHY, TYPE 2S; CHARCOT-MARIE-TOOTH DISEASE, AXONAL, AUTOSOMAL RECESSIVE, TYPE 2S. Identifiers: Orphanet 443073, MedGen C4015349, MONDO:0014511, OMIM 616155.
Autosomal recessive distal spinal muscular atrophy 1. Also called: HMN VI; NEURONOPATHY, SEVERE INFANTILE AXONAL, WITH RESPIRATORY FAILURE; Spinal muscular atrophy with respiratory distress 1; SEVERE INFANTILE AXONAL NEUROPATHY WITH RESPIRATORY FAILURE; SPINAL MUSCULAR ATROPHY, DIAPHRAGMATIC; NEURONOPATHY, DISTAL HEREDITARY MOTOR, HARDING TYPE VI. Identifiers: Orphanet 98920, MedGen C1858517, MONDO:0011436, OMIM 604320.

Allele frequency attached by ClinVar (database versions not stated): gnomAD exomes below 0.00001.

Submissions (2):

Genomic Medicine Center of Excellence, King Faisal Specialist Hospital and Research Centre
Classification: Likely pathogenic for Autosomal recessive distal spinal muscular atrophy 1. Last evaluated: 2025-09-10. Review status: criteria provided, single submitter. Criteria: ACMG Guidelines, 2015. Collection method: clinical testing. Allele origin: germline.

Labcorp Genetics (formerly Invitae), Labcorp
Classification: Likely pathogenic for Autosomal recessive distal spinal muscular atrophy 1; Charcot-Marie-Tooth disease axonal type 2S. Last evaluated: 2018-05-17. Review status: criteria provided, single submitter. Criteria: Invitae Variant Classification Sherloc (09022015). Collection method: clinical testing. Allele origin: germline.
Comment: This sequence change affects an acceptor splice site in intron 11 of the IGHMBP2 gene. It is expected to disrupt RNA splicing and likely results in an absent or disrupted protein product. This variant is not present in population databases (ExAC no frequency). This variant has not been reported in the literature in individuals with IGHMBP2-related disease. Algorithms developed to predict the effect of sequence changes on RNA splicing suggest that this variant may disrupt the consensus splice site, but this prediction has not been confirmed by published transcriptional studies. Donor and acceptor splice site variants typically lead to a loss of protein function (PMID: 16199547), and loss-of-function variants in IGHMBP2 are known to be pathogenic (PMID: 14681881, 25439726, 25568292). In summary, the currently available evidence indicates that the variant is pathogenic, but additional data are needed to prove that conclusively. Therefore, this variant has been classified as Likely Pathogenic.

Literature cited by the submitters: PubMed 16199547 (cited by Labcorp Genetics (formerly Invitae), Labcorp); PubMed 14681881 (cited by Labcorp Genetics (formerly Invitae), Labcorp); PubMed 25439726 (cited by Labcorp Genetics (formerly Invitae), Labcorp); PubMed 25568292 (cited by Labcorp Genetics (formerly Invitae), Labcorp).

NM_002180.3(IGHMBP2):c.1633-2A>G

Gene: IGHMBP2 (immunoglobulin mu DNA binding protein 2; plus strand). Cytogenetic location: 11q13.3.
Variant type: single nucleotide variant.
Coding change: c.1633-2A>G on transcript NM_002180.3 (MANE Select); the canonical splice acceptor site of the intron before coding-DNA position 1633, A replaced by G.
Molecular consequence: splice acceptor variant.
Genome position (GRCh38, 1-based): chr11:68,935,297, A>G. VCF-style: chr11-68935297-A-G. GRCh37 (hg19) VCF-style: chr11-68702765-A-G.
Identifiers: ClinVar variation 573404 (VCV000573404.8), dbSNP rs1566445029, ClinGen allele CA381650994.